The following is an entry in ClinVar:

NM_001042492.3(NF1):c.4427G>C (p.Arg1476Pro)

Gene: NF1 (neurofibromin 1; plus strand). Cytogenetic location: 17q11.2.
Variant type: single nucleotide variant.
Coding change: c.4427G>C on transcript NM_001042492.3 (MANE Select); coding-DNA position 4427, G replaced by C.
Protein change: p.Arg1476Pro; replaces arginine 1476 with proline.
Molecular consequence: missense variant.
Genome position (GRCh38, 1-based): chr17:31,259,126, G>C. VCF-style: chr17-31259126-G-C. GRCh37 (hg19) VCF-style: chr17-29586144-G-C.
Other names: c.4364G>C, p.Arg1455Pro (NM_000267.4); short protein forms R1455P, R1476P.
Identifiers: ClinVar variation 4615792 (VCV004615792.1).

ClinVar aggregate classification (germline): Uncertain significance (1 of 4 stars; one submission).

Conditions:
Cardiovascular phenotype. Identifiers: MedGen CN230736.
Hereditary cancer-predisposing syndrome. Also called: Neoplastic Syndromes, Hereditary; Tumor predisposition; Hereditary Cancer Syndrome; Hereditary neoplastic syndrome. Identifiers: Orphanet 140162, MedGen C0027672, MeSH D009386, MONDO:0015356.

Submission:

Ambry Genetics
Classification: Uncertain significance for Cardiovascular phenotype; Hereditary cancer-predisposing syndrome. Last evaluated: 2025-11-11. Review status: criteria provided, single submitter. Criteria: Ambry Variant Classification Scheme 2023. Collection method: clinical testing. Allele origin: germline.
Comment: The p.R1455P variant (also known as c.4364G>C), located in coding exon 32 of the NF1 gene, results from a G to C substitution at nucleotide position 4364. The arginine at codon 1455 is replaced by proline, an amino acid with dissimilar properties. This amino acid position is conserved. In addition, this alteration is predicted to be deleterious by in silico analysis. Based on the available evidence, the clinical significance of this variant remains unclear.